The following is an entry in ClinVar:

ClinVar aggregate classification (germline): Uncertain significance (1 of 4 stars; one submission).

Conditions:
Emery-Dreifuss muscular dystrophy 4, autosomal dominant (EDMD4). Also called: EMERY-DREIFUSS MUSCULAR DYSTROPHY 4 WITH VARIABLE FEATURES. Identifiers: Orphanet 261, MedGen C2751807, MONDO:0013071, OMIM 612998.
Autosomal recessive ataxia, Beauce type. Also called: SYNE1 Deficiency; Spinocerebellar ataxia, autosomal recessive 8; ATAXIA, RECESSIVE, OF BEAUCE; SYNE1-Related Autosomal Recessive Cerebellar Ataxia. Identifiers: Orphanet 88644, MedGen C1853116, MONDO:0012549, OMIM 610743.

Submission:

Labcorp Genetics (formerly Invitae), Labcorp
Classification: Uncertain significance for Emery-Dreifuss muscular dystrophy 4, autosomal dominant; Autosomal recessive ataxia, Beauce type. Last evaluated: 2022-08-16. Review status: criteria provided, single submitter. Criteria: Invitae Variant Classification Sherloc (09022015). Collection method: clinical testing. Allele origin: germline.
Comment: In summary, the available evidence is currently insufficient to determine the role of this variant in disease. Therefore, it has been classified as a Variant of Uncertain Significance. Algorithms developed to predict the effect of missense changes on protein structure and function are either unavailable or do not agree on the potential impact of this missense change (SIFT: "Deleterious"; PolyPhen-2: "Probably Damaging"; Align-GVGD: "Class C0"). This variant has not been reported in the literature in individuals affected with SYNE1-related conditions. This variant is not present in population databases (gnomAD no frequency). This sequence change replaces lysine, which is basic and polar, with glutamic acid, which is acidic and polar, at codon 8074 of the SYNE1 protein (p.Lys8074Glu).

NM_182961.4(SYNE1):c.24433A>G (p.Lys8145Glu)

Gene: SYNE1 (spectrin repeat containing nuclear envelope protein 1; minus strand). Cytogenetic location: 6q25.2.
Variant type: single nucleotide variant.
Coding change: c.24433A>G on transcript NM_182961.4 (MANE Select); coding-DNA position 24433, A replaced by G.
Protein change: p.Lys8145Glu; replaces lysine 8145 with glutamic acid.
Molecular consequence: missense variant.
Genome position (GRCh38, 1-based): chr6:152,151,570, T>C on the plus strand (A>G on the coding strand, the complement: SYNE1 is on the minus strand). VCF-style: chr6-152151570-T-C. GRCh37 (hg19) VCF-style: chr6-152472705-T-C.
Other names: c.1039A>G, p.Lys347Glu (NM_001347701.2); c.898A>G, p.Lys300Glu (NM_001347702.2); c.24220A>G, p.Lys8074Glu (NM_033071.5); short protein forms K300E, K347E, K8074E, K8145E.
Identifiers: ClinVar variation 2077416 (VCV002077416.4), dbSNP rs2550117086, ClinGen allele CA366086540.